The following is an entry in ClinVar:

ClinVar aggregate classification (germline): Uncertain significance (1 of 4 stars; one submission).

Conditions:
Familial thoracic aortic aneurysm and aortic dissection (TAAD). Also called: Thoracic aortic aneurysms and dissections. Identifiers: Orphanet 91387, MedGen C4707243, MONDO:0019625.

Submission:

Ambry Genetics
Classification: Uncertain significance for Familial thoracic aortic aneurysm and aortic dissection. Last evaluated: 2024-11-23. Review status: criteria provided, single submitter. Criteria: Ambry Variant Classification Scheme 2023. Collection method: clinical testing. Allele origin: germline.
Comment: The p.A156G variant (also known as c.467C>G), located in coding exon 2 of the SLC2A10 gene, results from a C to G substitution at nucleotide position 467. The alanine at codon 156 is replaced by glycine, an amino acid with similar properties. This amino acid position is conserved. In addition, this alteration is predicted to be tolerated by in silico analysis. Based on the available evidence, the clinical significance of this variant remains unclear.

NM_030777.4(SLC2A10):c.467C>G (p.Ala156Gly)

Gene: SLC2A10 (solute carrier family 2 member 10; plus strand). Cytogenetic location: 20q13.12.
Variant type: single nucleotide variant.
Coding change: c.467C>G on transcript NM_030777.4 (MANE Select); coding-DNA position 467, C replaced by G.
Protein change: p.Ala156Gly; replaces alanine 156 with glycine.
Molecular consequence: missense variant.
Genome position (GRCh38, 1-based): chr20:46,725,503, C>G. VCF-style: chr20-46725503-C-G. GRCh37 (hg19) VCF-style: chr20-45354142-C-G.
Other names: short protein forms A156G.
Identifiers: ClinVar variation 3443795 (VCV003443795.1).